The following is an entry in ClinVar:

NM_201596.3(CACNB2):c.1040C>A (p.Thr347Lys)

Gene: CACNB2 (calcium voltage-gated channel auxiliary subunit beta 2; plus strand). Cytogenetic location: 10p12.31.
Variant type: single nucleotide variant.
Coding change: c.1040C>A on transcript NM_201596.3 (MANE Select); coding-DNA position 1040, C replaced by A.
Protein change: p.Thr347Lys; replaces threonine 347 with lysine.
Molecular consequence: missense variant.
Genome position (GRCh38, 1-based): chr10:18,527,683, C>A. VCF-style: chr10-18527683-C-A. GRCh37 (hg19) VCF-style: chr10-18816612-C-A.
Other names: c.875C>A, p.Thr292Lys (NM_000724.4); c.842C>A, p.Thr281Lys (NM_001167945.2); c.761C>A, p.Thr254Lys (NM_001330060.2); c.782C>A, p.Thr261Lys (NM_001410882.1); c.896C>A, p.Thr299Lys (NM_201570.3); c.956C>A, p.Thr319Lys (NM_201571.4); c.884C>A, p.Thr295Lys (NM_201572.4); c.878C>A, p.Thr293Lys (NM_201590.3); and 2 more; short protein forms T323K, T254K, T261K, T281K, T347K, T292K, T295K, T293K.
Identifiers: ClinVar variation 4613784 (VCV004613784.1).

ClinVar aggregate classification (germline): Uncertain significance (1 of 4 stars; one submission).

Conditions:
Cardiovascular phenotype. Identifiers: MedGen CN230736.

gnomAD v4.1: 1 of 1,610,468 alleles (0.000062%); highest among the groups gnomAD compares: Non-Finnish European, 0.000085%; no homozygotes.

Submission:

Ambry Genetics
Classification: Uncertain significance for Cardiovascular phenotype. Last evaluated: 2025-10-14. Review status: criteria provided, single submitter. Criteria: Ambry Variant Classification Scheme 2023. Collection method: clinical testing. Allele origin: germline.
Comment: The p.T293K variant (also known as c.878C>A), located in coding exon 9 of the CACNB2 gene, results from a C to A substitution at nucleotide position 878. The threonine at codon 293 is replaced by lysine, an amino acid with similar properties. This amino acid position is conserved. In addition, the in silico prediction for this alteration is inconclusive. Based on the available evidence, the clinical significance of this variant remains unclear.